The following is an entry in ClinVar:

ClinVar aggregate classification (germline): Uncertain significance (1 of 4 stars; one submission).

Conditions:
Hereditary cancer-predisposing syndrome. Also called: Neoplastic Syndromes, Hereditary; Hereditary Cancer Syndrome; Hereditary neoplastic syndrome; Tumor predisposition. Identifiers: Orphanet 140162, MedGen C0027672, MeSH D009386, MONDO:0015356.

Allele frequency attached by ClinVar (database versions not stated): gnomAD exomes below 0.00001.
gnomAD v4.1: 1 of 1,613,914 alleles (0.000062%); highest among the groups gnomAD compares: Non-Finnish European, 0.000085%; no homozygotes.

Submission:

Ambry Genetics
Classification: Uncertain significance for Hereditary cancer-predisposing syndrome. Last evaluated: 2023-06-06. Review status: criteria provided, single submitter. Criteria: Ambry Variant Classification Scheme 2023. Collection method: clinical testing. Allele origin: germline.
Comment: The p.H660Q variant (also known as c.1980C>G), located in coding exon 7 of the AXIN2 gene, results from a C to G substitution at nucleotide position 1980. The histidine at codon 660 is replaced by glutamine, an amino acid with highly similar properties. This amino acid position is conserved. In addition, this alteration is predicted to be tolerated by in silico analysis. Since supporting evidence is limited at this time, the clinical significance of this alteration remains unclear.

NM_004655.4(AXIN2):c.1980C>G (p.His660Gln)

Gene: AXIN2 (axin 2; minus strand). Cytogenetic location: 17q24.1.
Variant type: single nucleotide variant.
Coding change: c.1980C>G on transcript NM_004655.4 (MANE Select); coding-DNA position 1980, C replaced by G.
Protein change: p.His660Gln; replaces histidine 660 with glutamine.
Molecular consequence: missense variant.
Genome position (GRCh38, 1-based): chr17:65,536,481, G>C on the plus strand (C>G on the coding strand, the complement: AXIN2 is on the minus strand). VCF-style: chr17-65536481-G-C. GRCh37 (hg19) VCF-style: chr17-63532599-G-C.
Other names: c.1785C>G, p.His595Gln (NM_001363813.1); short protein forms H595Q, H660Q.
Identifiers: ClinVar variation 2566133 (VCV002566133.2), dbSNP rs1598097031, ClinGen allele CA400676216.